The following is an entry in ClinVar:

NM_014806.5(RUSC2):c.4406A>T (p.His1469Leu)

Gene: RUSC2 (RUN and SH3 domain containing 2; plus strand). Cytogenetic location: 9p13.3.
Variant type: single nucleotide variant.
Coding change: c.4406A>T on transcript NM_014806.5 (MANE Select); coding-DNA position 4406, A replaced by T.
Protein change: p.His1469Leu; replaces histidine 1469 with leucine.
Molecular consequence: missense variant. On other transcripts: non-coding transcript variant (1).
Genome position (GRCh38, 1-based): chr9:35,561,237, A>T. VCF-style: chr9-35561237-A-T. GRCh37 (hg19) VCF-style: chr9-35561234-A-T.
Other names: c.4406A>T, p.His1469Leu (NM_001135999.2); c.1772A>T, p.His591Leu (NM_001330740.2); short protein forms H1469L, H591L.
Identifiers: ClinVar variation 2168777 (VCV002168777.1), dbSNP rs144692636, ClinGen allele CA5044397.

ClinVar aggregate classification (germline): Uncertain significance (1 of 4 stars; one submission).

Allele frequency attached by ClinVar (database versions not stated): ExAC 0.00001; gnomAD 0.00001; gnomAD exomes 0.00001; TOPMed 0.00002; ESP Exome Variant Server 0.00008.

Submission:

Labcorp Genetics (formerly Invitae), Labcorp
Classification: Uncertain significance. Last evaluated: 2022-11-03. Review status: criteria provided, single submitter. Criteria: Invitae Variant Classification Sherloc (09022015). Collection method: clinical testing. Allele origin: germline.
Comment: This sequence change replaces histidine, which is basic and polar, with leucine, which is neutral and non-polar, at codon 1469 of the RUSC2 protein (p.His1469Leu). This variant is present in population databases (rs144692636, gnomAD 0.002%). This variant has not been reported in the literature in individuals affected with RUSC2-related conditions. Algorithms developed to predict the effect of missense changes on protein structure and function (SIFT, PolyPhen-2, Align-GVGD) all suggest that this variant is likely to be tolerated. In summary, the available evidence is currently insufficient to determine the role of this variant in disease. Therefore, it has been classified as a Variant of Uncertain Significance.